The following is an entry in ClinVar:

NM_001041.4(SI):c.4204G>A (p.Val1402Ile)

Gene: SI (sucrase-isomaltase; minus strand). Cytogenetic location: 3q26.1.
Variant type: single nucleotide variant.
Coding change: c.4204G>A on transcript NM_001041.4 (MANE Select); coding-DNA position 4204, G replaced by A.
Protein change: p.Val1402Ile; replaces valine 1402 with isoleucine.
Molecular consequence: missense variant.
Genome position (GRCh38, 1-based): chr3:165,007,974, C>T on the plus strand (G>A on the coding strand, the complement: SI is on the minus strand). VCF-style: chr3-165007974-C-T. GRCh37 (hg19) VCF-style: chr3-164725762-C-T.
Other names: short protein forms V1402I.
Identifiers: ClinVar variation 1525611 (VCV001525611.8), dbSNP rs2108157131, ClinGen allele CA355033400.

ClinVar aggregate classification (germline): Uncertain significance (1 of 4 stars; one submission).

Submission:

Labcorp Genetics (formerly Invitae), Labcorp
Classification: Uncertain significance. Last evaluated: 2022-02-05. Review status: criteria provided, single submitter. Criteria: Invitae Variant Classification Sherloc (09022015). Collection method: clinical testing. Allele origin: germline.
Comment: In summary, the available evidence is currently insufficient to determine the role of this variant in disease. Therefore, it has been classified as a Variant of Uncertain Significance. Advanced modeling of protein sequence and biophysical properties (such as structural, functional, and spatial information, amino acid conservation, physicochemical variation, residue mobility, and thermodynamic stability) performed at Invitae indicates that this missense variant is not expected to disrupt SI protein function. This variant has not been reported in the literature in individuals affected with SI-related conditions. This variant is not present in population databases (gnomAD no frequency). This sequence change replaces valine, which is neutral and non-polar, with isoleucine, which is neutral and non-polar, at codon 1402 of the SI protein (p.Val1402Ile).